The following is an entry in ClinVar:

NM_052867.4(NALCN):c.4863G>C (p.Glu1621Asp)

Gene: NALCN (sodium leak channel, non-selective; minus strand). Cytogenetic location: 13q32.3.
Variant type: single nucleotide variant.
Coding change: c.4863G>C on transcript NM_052867.4 (MANE Select); coding-DNA position 4863, G replaced by C.
Protein change: p.Glu1621Asp; replaces glutamic acid 1621 with aspartic acid.
Molecular consequence: missense variant.
Genome position (GRCh38, 1-based): chr13:101,059,860, C>G on the plus strand (G>C on the coding strand, the complement: NALCN is on the minus strand). VCF-style: chr13-101059860-C-G. GRCh37 (hg19) VCF-style: chr13-101712212-C-G.
Other names: c.4776G>C, p.Glu1592Asp (NM_001350750.2, NM_001350751.2); c.4950G>C, p.Glu1650Asp (NM_001350748.2); c.4863G>C, p.Glu1621Asp (NM_001350749.2); short protein forms E1650D, E1621D, E1592D.
Identifiers: ClinVar variation 3174271 (VCV003174271.3), dbSNP rs758160958, ClinGen allele CA7035003.

ClinVar aggregate classification (germline): Uncertain significance. Review status: criteria provided, multiple submitters, no conflicts (2 of 4 stars). 2 submissions from 2 submitters: Uncertain significance (2). Last evaluated 2024-02-18.

Conditions:
Inborn genetic diseases. Identifiers: MedGen C0950123, MeSH D030342.

Allele frequency attached by ClinVar (database versions not stated): gnomAD exomes below 0.00001; ExAC 0.00002.
gnomAD v4.1: 3 of 1,614,078 alleles (0.00019%); highest among the groups gnomAD compares: East Asian, 0.0045%; no homozygotes.

Submissions (2):

Labcorp Genetics (formerly Invitae), Labcorp
Classification: Uncertain significance. Last evaluated: 2024-02-18. Review status: criteria provided, single submitter. Criteria: Invitae Variant Classification Sherloc (09022015). Collection method: clinical testing. Allele origin: germline.
Comment: This sequence change replaces glutamic acid, which is acidic and polar, with aspartic acid, which is acidic and polar, at codon 1621 of the NALCN protein (p.Glu1621Asp). This variant is present in population databases (rs758160958, gnomAD 0.01%). This variant has not been reported in the literature in individuals affected with NALCN-related conditions. Advanced modeling of protein sequence and biophysical properties (such as structural, functional, and spatial information, amino acid conservation, physicochemical variation, residue mobility, and thermodynamic stability) performed at Invitae indicates that this missense variant is not expected to disrupt NALCN protein function with a negative predictive value of 80%. In summary, the available evidence is currently insufficient to determine the role of this variant in disease. Therefore, it has been classified as a Variant of Uncertain Significance.

Ambry Genetics
Classification: Uncertain significance for Inborn genetic diseases. Last evaluated: 2023-12-27. Review status: criteria provided, single submitter. Criteria: Ambry Variant Classification Scheme 2023. Collection method: clinical testing. Allele origin: germline.